The following is an entry in ClinVar:

NM_002471.4(MYH6):c.2324T>C (p.Leu775Pro)

Gene: MYH6 (myosin heavy chain 6; minus strand). Cytogenetic location: 14q11.2.
Variant type: single nucleotide variant.
Coding change: c.2324T>C on transcript NM_002471.4 (MANE Select); coding-DNA position 2324, T replaced by C.
Protein change: p.Leu775Pro; replaces leucine 775 with proline.
Molecular consequence: missense variant.
Genome position (GRCh38, 1-based): chr14:23,396,389, A>G on the plus strand (T>C on the coding strand, the complement: MYH6 is on the minus strand). VCF-style: chr14-23396389-A-G. GRCh37 (hg19) VCF-style: chr14-23865598-A-G.
Other names: short protein forms L775P.
Identifiers: ClinVar variation 4743970 (VCV004743970.1).

ClinVar aggregate classification (germline): Uncertain significance (1 of 4 stars; one submission).

Conditions:
Hypertrophic cardiomyopathy 14. Identifiers: MedGen C2750467, MONDO:0013197, OMIM 613251.

Submission:

Labcorp Genetics (formerly Invitae), Labcorp
Classification: Uncertain significance for Hypertrophic cardiomyopathy 14. Last evaluated: 2025-09-04. Review status: criteria provided, single submitter. Criteria: Invitae Variant Classification Sherloc (09022015). Collection method: clinical testing. Allele origin: germline.
Comment: This sequence change replaces leucine, which is neutral and non-polar, with proline, which is neutral and non-polar, at codon 775 of the MYH6 protein (p.Leu775Pro). This variant is not present in population databases (gnomAD no frequency). This variant has not been reported in the literature in individuals affected with MYH6-related conditions. Invitae Evidence Modeling of protein sequence and biophysical properties (such as structural, functional, and spatial information, amino acid conservation, physicochemical variation, residue mobility, and thermodynamic stability) indicates that this missense variant is expected to disrupt MYH6 protein function with a positive predictive value of 80%. In summary, the available evidence is currently insufficient to determine the role of this variant in disease. Therefore, it has been classified as a Variant of Uncertain Significance.